The following is an entry in ClinVar:

NM_001849.4(COL6A2):c.1801A>G (p.Thr601Ala)

Gene: COL6A2 (collagen type VI alpha 2 chain; plus strand). Cytogenetic location: 21q22.3.
Variant type: single nucleotide variant.
Coding change: c.1801A>G on transcript NM_001849.4 (MANE Select); coding-DNA position 1801, A replaced by G.
Protein change: p.Thr601Ala; replaces threonine 601 with alanine.
Molecular consequence: missense variant.
Genome position (GRCh38, 1-based): chr21:46,125,296, A>G. VCF-style: chr21-46125296-A-G. GRCh37 (hg19) VCF-style: chr21-47545210-A-G.
Other names: c.1801A>G, p.Thr601Ala (NM_058174.3, NM_058175.3); short protein forms T601A.
Identifiers: ClinVar variation 1397877 (VCV001397877.8), dbSNP rs1487977724, ClinGen allele CA410537954.
Genomic context (GRCh38, chr21:46,125,296, plus strand): 5'-GGACTACCCTGCCTGCCGTGTGCATTGCAGGAGTGTGACGTCATGACCTACGTGAGGGAG[A>G]CCTGCGGGTGCTGCGGTGAGGCACTGCCCACGGCAGGGTCGGGGCCCATGCACCGGGTGG-3'
Protein context (NP_001840.3, residues 591-611): ECDVMTYVRE[Thr601Ala]CGCCDCEKRC

ClinVar aggregate classification (germline): Uncertain significance (1 of 4 stars; one submission).

Conditions:
Bethlem myopathy 1A. Also called: Bethlem myopathy 1; Bethlem Muscular Dystrophy; MYOPATHY, BENIGN CONGENITAL, WITH CONTRACTURES. Identifiers: Orphanet 610, MedGen CN029274, MONDO:0024530, OMIM 158810.

Allele frequency attached by ClinVar (database versions not stated): gnomAD exomes below 0.00001; gnomAD 0.00001; TOPMed 0.00001.
gnomAD v4.1: 2 of 1,611,242 alleles (0.00012%); highest among the groups gnomAD compares: African/African-American, 0.0027%; no homozygotes.

Submission:

Labcorp Genetics (formerly Invitae), Labcorp
Classification: Uncertain significance for Bethlem myopathy 1A. Last evaluated: 2021-07-05. Review status: criteria provided, single submitter. Criteria: Invitae Variant Classification Sherloc (09022015). Collection method: clinical testing. Allele origin: germline.
Comment: This variant is not present in population databases (ExAC no frequency). This sequence change replaces threonine with alanine at codon 601 of the COL6A2 protein (p.Thr601Ala). The threonine residue is highly conserved and there is a small physicochemical difference between threonine and alanine. This variant has not been reported in the literature in individuals affected with COL6A2-related conditions. Algorithms developed to predict the effect of missense changes on protein structure and function are either unavailable or do not agree on the potential impact of this missense change (SIFT: "Deleterious"; PolyPhen-2: "Probably Damaging"; Align-GVGD: "Class C0"). In summary, the available evidence is currently insufficient to determine the role of this variant in disease. Therefore, it has been classified as a Variant of Uncertain Significance.